The following is an entry in ClinVar:

NM_001032382.2(PQBP1):c.59T>A (p.Leu20Gln)

Genes: PQBP1 (polyglutamine binding protein 1; plus strand), LOC130068256 (ATAC-STARR-seq lymphoblastoid active region 29617; plus strand). Cytogenetic location: Xp11.23.
Variant type: single nucleotide variant.
Coding change: c.59T>A on transcript NM_001032382.2 (MANE Select); coding-DNA position 59, T replaced by A.
Protein change: p.Leu20Gln; replaces leucine 20 with glutamine.
Molecular consequence: missense variant.
Genome position (GRCh38, 1-based): chrX:48,898,568, T>A. VCF-style: chrX-48898568-T-A. GRCh37 (hg19) VCF-style: chrX-48755851-T-A.
Other names: c.59T>A, p.Leu20Gln (NM_001032381.2, NM_001032383.2, NM_001032384.1 and 5 more transcripts); short protein forms L20Q.
Identifiers: ClinVar variation 2818427 (VCV002818427.3), dbSNP rs2519573307, ClinGen allele CA412886492.

ClinVar aggregate classification (germline): Uncertain significance (1 of 4 stars; one submission).

Submission:

Labcorp Genetics (formerly Invitae), Labcorp
Classification: Uncertain significance. Last evaluated: 2022-12-04. Review status: criteria provided, single submitter. Criteria: Invitae Variant Classification Sherloc (09022015). Collection method: clinical testing. Allele origin: germline.
Comment: This sequence change replaces leucine, which is neutral and non-polar, with glutamine, which is neutral and polar, at codon 20 of the PQBP1 protein (p.Leu20Gln). This variant is not present in population databases (gnomAD no frequency). This variant has not been reported in the literature in individuals affected with PQBP1-related conditions. Algorithms developed to predict the effect of missense changes on protein structure and function are either unavailable or do not agree on the potential impact of this missense change (SIFT: "Tolerated"; PolyPhen-2: "Possibly Damaging"; Align-GVGD: "Class C0"). In summary, the available evidence is currently insufficient to determine the role of this variant in disease. Therefore, it has been classified as a Variant of Uncertain Significance.